The following is an entry in ClinVar:

NM_001447.3(FAT2):c.6274G>A (p.Val2092Ile)

Genes: FAT2 (FAT atypical cadherin 2; minus strand), SLC36A1 (solute carrier family 36 member 1; plus strand). Cytogenetic location: 5q33.1.
Variant type: single nucleotide variant.
Coding change: c.6274G>A on transcript NM_001447.3 (MANE Select); coding-DNA position 6274, G replaced by A.
Protein change: p.Val2092Ile; replaces valine 2092 with isoleucine.
Molecular consequence: missense variant.
Genome position (GRCh38, 1-based): chr5:151,544,853, C>T on the plus strand (G>A on the coding strand, the complement: FAT2 is on the minus strand). VCF-style: chr5-151544853-C-T. GRCh37 (hg19) VCF-style: chr5-150924414-C-T.
Other names: c.6274G>A (NM_001447.2); short protein forms V2092I.
Identifiers: ClinVar variation 2070313 (VCV002070313.6), dbSNP rs184694315, ClinGen allele CA3521133.

ClinVar aggregate classification (germline): Likely benign. Review status: criteria provided, single submitter (1 of 4 stars). 2 submissions from 2 submitters: Likely benign (1). 1 of the submissions does not count toward it. Last evaluated 2025-07-16.

Conditions:
FAT2-related disorder. Also called: FAT2-related condition.

Allele frequency attached by ClinVar (database versions not stated): gnomAD 0.00005; 1000 Genomes Project 30x 0.00016; gnomAD exomes 0.00018; TOPMed 0.00019; 1000 Genomes Project 0.00020; ExAC 0.00030.
gnomAD v4.1: 116 of 1,614,154 alleles (0.0072%); highest among the groups gnomAD compares: Admixed American, 0.19%; no homozygotes.

Submissions (2):

Labcorp Genetics (formerly Invitae), Labcorp
Classification: Likely benign. Last evaluated: 2025-07-16. Review status: criteria provided, single submitter. Criteria: Invitae Variant Classification Sherloc (09022015). Collection method: clinical testing. Allele origin: germline.

PreventionGenetics, part of Exact Sciences
Classification: Likely benign for FAT2-related condition. Last evaluated: 2022-02-23. Review status: no assertion criteria provided. Collection method: clinical testing. Allele origin: germline. Not counted in ClinVar's aggregate classification.
Comment: This variant is classified as likely benign based on ACMG/AMP sequence variant interpretation guidelines (Richards et al. 2015 PMID: 25741868, with internal and published modifications).